The following is an entry in ClinVar:

NM_004714.3(DYRK1B):c.1814C>G (p.Pro605Arg)

Gene: DYRK1B (dual specificity tyrosine phosphorylation regulated kinase 1B; minus strand). Cytogenetic location: 19q13.2.
Variant type: single nucleotide variant.
Coding change: c.1814C>G on transcript NM_004714.3 (MANE Select); coding-DNA position 1814, C replaced by G.
Protein change: p.Pro605Arg; replaces proline 605 with arginine.
Molecular consequence: missense variant.
Genome position (GRCh38, 1-based): chr19:39,825,791, G>C on the plus strand (C>G on the coding strand, the complement: DYRK1B is on the minus strand). VCF-style: chr19-39825791-G-C. GRCh37 (hg19) VCF-style: chr19-40316431-G-C.
Other names: c.1694C>G, p.Pro565Arg (NM_006483.3); c.1730C>G, p.Pro577Arg (NM_006484.3); short protein forms P565R, P577R, P605R.
Identifiers: ClinVar variation 2632859 (VCV002632859.1), dbSNP rs762302792, ClinGen allele CA405820506.

ClinVar aggregate classification (germline): Uncertain significance (1 of 4 stars; one submission).

Conditions:
DYRK1B-related disorder. Also called: DYRK1B-related condition.

Submission:

PreventionGenetics, part of Exact Sciences
Classification: Uncertain significance for DYRK1B-related condition. Last evaluated: 2023-04-24. Review status: criteria provided, single submitter. Criteria: ACMG Guidelines, 2015. Collection method: clinical testing. Allele origin: germline.
Comment: The DYRK1B c.1814C>G variant is predicted to result in the amino acid substitution p.Pro605Arg. To our knowledge, this variant has not been reported in the literature or in a large population database, indicating this variant is rare. At this time, the clinical significance of this variant is uncertain due to the absence of conclusive functional and genetic evidence.